The following is an entry in ClinVar:

NM_001161352.2(KCNMA1):c.2267-4486C>T

Genes: KCNMA1 (potassium calcium-activated channel subfamily M alpha 1; minus strand), KCNMA1-AS1 (KCNMA1 antisense RNA 1; plus strand). Cytogenetic location: 10q22.3.
Variant type: single nucleotide variant.
Coding change: c.2267-4486C>T on transcript NM_001161352.2 (MANE Select); 4486 bases into the intron before coding-DNA position 2267, C replaced by T.
Molecular consequence: intron variant. On other transcripts: missense variant (1).
Genome position (GRCh38, 1-based): chr10:76,974,553, G>A on the plus strand (C>T on the coding strand, the complement: KCNMA1 is on the minus strand). VCF-style: chr10-76974553-G-A. GRCh37 (hg19) VCF-style: chr10-78734311-G-A.
Other names: c.1573C>T, p.Arg525Cys (NM_001322838.2); c.1943-4486C>T (NM_001271518.2); c.2093-4486C>T (NM_001322832.2, NM_002247.4, NM_001161353.2); c.2102-4486C>T (NM_001322829.2, NM_001322836.2, NM_001271519.2); c.2105-4486C>T (NM_001014797.3, NM_001322835.2, NM_001322837.2); c.2114-4486C>T (NM_001322830.2); short protein forms R525C.
Identifiers: ClinVar variation 1301635 (VCV001301635.27), dbSNP rs188354139, ClinGen allele CA5568154.

ClinVar aggregate classification (germline): Conflicting classifications of pathogenicity. Review status: criteria provided, conflicting classifications (1 of 4 stars). 3 submissions from 3 submitters: Uncertain significance (2); Likely benign (1). Last evaluated 2025-11-01.

Conditions:
Generalized epilepsy-paroxysmal dyskinesia syndrome (PNKD3). Also called: Paroxysmal nonkinesigenic dyskinesia, 3, with or without generalized epilepsy; Generalized epilepsy and paroxysmal dyskinesia. Identifiers: Orphanet 79137, MedGen C5574945, MONDO:0012276, OMIM 609446.
Liang-Wang syndrome. Identifiers: Orphanet 664438, MedGen C5231479, MONDO:0032886, OMIM 618729.
Epilepsy, idiopathic generalized, susceptibility to, 16. Identifiers: MedGen C5231421, MONDO:0032827, OMIM 618596.
Cerebellar atrophy, developmental delay, and seizures. Identifiers: MedGen C4539985, MONDO:0060551, OMIM 617643.

Allele frequency attached by ClinVar (database versions not stated): ExAC 0.00006; 1000 Genomes Project 30x 0.00016; 1000 Genomes Project 0.00020; gnomAD exomes 0.00025; gnomAD 0.00032; TOPMed 0.00033.
gnomAD v4.1: 438 of 1,548,554 alleles (0.028%); highest among the groups gnomAD compares: Middle Eastern, 0.067%; no homozygotes.

Submissions (3):

CeGaT Center for Human Genetics Tuebingen
Classification: Uncertain significance. Last evaluated: 2025-11-01. Review status: criteria provided, single submitter. Criteria: CeGaT Center For Human Genetics Tuebingen Variant Classification Criteria Version 2. Collection method: clinical testing. Allele origin: germline. Affected: yes. Observed: 4 variant alleles.
Comment: KCNMA1: PP2, BP4

Department of Pathology and Laboratory Medicine, Sinai Health System
Classification: Uncertain significance for Generalized epilepsy-paroxysmal dyskinesia syndrome; Cerebellar atrophy, developmental delay, and seizures; Epilepsy, idiopathic generalized, susceptibility to, 16; Liang-Wang syndrome. Last evaluated: 2021-07-30. Review status: criteria provided, single submitter. Criteria: ACMG Guidelines, 2015. Collection method: research. Allele origin: germline.

Dubai Health Genomic Medicine Center, Dubai Health
Classification: Likely benign. Last evaluated: 2020-10-14. Review status: criteria provided, single submitter. Criteria: ACMG Guidelines, 2015. Collection method: clinical testing. Allele origin: germline. Affected: yes.